The following is an entry in ClinVar:

NM_004369.4(COL6A3):c.5303A>G (p.Gln1768Arg)

Gene: COL6A3 (collagen type VI alpha 3 chain; minus strand). Cytogenetic location: 2q37.3.
Variant type: single nucleotide variant.
Coding change: c.5303A>G on transcript NM_004369.4 (MANE Select); coding-DNA position 5303, A replaced by G.
Protein change: p.Gln1768Arg; replaces glutamine 1768 with arginine.
Molecular consequence: missense variant.
Genome position (GRCh38, 1-based): chr2:237,366,884, T>C on the plus strand (A>G on the coding strand, the complement: COL6A3 is on the minus strand). VCF-style: chr2-237366884-T-C. GRCh37 (hg19) VCF-style: chr2-238275527-T-C.
Other names: c.3482A>G, p.Gln1161Arg (NM_057166.5); c.4685A>G, p.Gln1562Arg (NM_057167.4); short protein forms Q1161R, Q1562R, Q1768R.
Identifiers: ClinVar variation 3698551 (VCV003698551.2).

ClinVar aggregate classification (germline): Uncertain significance (1 of 4 stars; one submission).

Conditions:
Bethlem myopathy 1A. Also called: MYOPATHY, BENIGN CONGENITAL, WITH CONTRACTURES; Bethlem myopathy 1; Bethlem Muscular Dystrophy. Identifiers: Orphanet 610, MedGen CN029274, MONDO:0024530, OMIM 158810.

gnomAD v4.1: 2 of 1,614,228 alleles (0.00012%); highest among the groups gnomAD compares: Non-Finnish European, 0.00017%; no homozygotes.

Submission:

Labcorp Genetics (formerly Invitae), Labcorp
Classification: Uncertain significance for Bethlem myopathy 1A. Last evaluated: 2024-10-30. Review status: criteria provided, single submitter. Criteria: Invitae Variant Classification Sherloc (09022015). Collection method: clinical testing. Allele origin: germline.
Comment: This sequence change replaces glutamine, which is neutral and polar, with arginine, which is basic and polar, at codon 1768 of the COL6A3 protein (p.Gln1768Arg). This variant is present in population databases (no rsID available, gnomAD 0.0009%). This variant has not been reported in the literature in individuals affected with COL6A3-related conditions. Invitae Evidence Modeling of protein sequence and biophysical properties (such as structural, functional, and spatial information, amino acid conservation, physicochemical variation, residue mobility, and thermodynamic stability) indicates that this missense variant is not expected to disrupt COL6A3 protein function with a negative predictive value of 80%. In summary, the available evidence is currently insufficient to determine the role of this variant in disease. Therefore, it has been classified as a Variant of Uncertain Significance.